The following is an entry in ClinVar:

ClinVar aggregate classification (germline): Pathogenic. Review status: criteria provided, multiple submitters, no conflicts (2 of 4 stars). 2 submissions from 2 submitters: Pathogenic (2). Last evaluated 2025-06-13.

Conditions:
Hypotonia, infantile, with psychomotor retardation and characteristic facies 2 (IHPRF2). Also called: UNC80 Deficiency. Identifiers: Orphanet 371364, Orphanet 700333, MedGen C4225203, MONDO:0014777, OMIM 616801.

Allele frequency attached by ClinVar (database versions not stated): gnomAD exomes below 0.00001; TOPMed below 0.00001; gnomAD 0.00001.
gnomAD v4.1: 5 of 1,551,850 alleles (0.00032%); highest among the groups gnomAD compares: East Asian, 0.0024%; no homozygotes.

Submissions (2):

3billion
Classification: Pathogenic for Hypotonia, infantile, with psychomotor retardation and characteristic facies 2. Last evaluated: 2025-06-13. Review status: criteria provided, single submitter. Criteria: ACMG Guidelines, 2015. Collection method: clinical testing. Allele origin: germline. Affected: yes.
Comment: The variant is observed at an extremely low frequency in the gnomAD v4.1.0 dataset (total allele frequency: <0.001%). Predicted Consequence/Location: Stop-gained (nonsense): predicted to result in a loss or disruption of normal protein function through nonsense-mediated decay (NMD) or protein truncation. Multiple pathogenic variants are reported downstream of the variant. The variant has been reported at least twice as pathogenic without evidence for the classification (ClinVar ID: VCV002883996 / 3billion dataset). Therefore, this variant is classified as Pathogenic according to the recommendation of ACMG/AMP guideline.

Labcorp Genetics (formerly Invitae), Labcorp
Classification: Pathogenic. Last evaluated: 2023-01-09. Review status: criteria provided, single submitter. Criteria: Invitae Variant Classification Sherloc (09022015). Collection method: clinical testing. Allele origin: germline.
Comment: This variant is not present in population databases (gnomAD no frequency). For these reasons, this variant has been classified as Pathogenic. This premature translational stop signal has been observed in individual(s) with clinical features of UNC80-related conditions (PMID: 30771478). This sequence change creates a premature translational stop signal (p.Arg1076*) in the UNC80 gene. It is expected to result in an absent or disrupted protein product. Loss-of-function variants in UNC80 are known to be pathogenic (PMID: 26545877, 26708751, 26708753).

Literature cited by the submitters: PubMed 30763667 (cited by 3billion); PubMed 30771478 (cited by Labcorp Genetics (formerly Invitae), Labcorp); PubMed 26545877 (cited by Labcorp Genetics (formerly Invitae), Labcorp); PubMed 26708751 (cited by Labcorp Genetics (formerly Invitae), Labcorp); PubMed 26708753 (cited by Labcorp Genetics (formerly Invitae), Labcorp).

NM_001371986.1(UNC80):c.3226C>T (p.Arg1076Ter)

Gene: UNC80 (unc-80 subunit of NALCN channel complex; plus strand). Cytogenetic location: 2q34.
Variant type: single nucleotide variant.
Coding change: c.3226C>T on transcript NM_001371986.1 (MANE Select); coding-DNA position 3226, C replaced by T.
Protein change: p.Arg1076Ter; replaces arginine 1076 with a stop codon.
Molecular consequence: nonsense.
Genome position (GRCh38, 1-based): chr2:209,839,406, C>T. VCF-style: chr2-209839406-C-T. GRCh37 (hg19) VCF-style: chr2-210704130-C-T.
Other names: c.3226C>T, p.Arg1076Ter (NM_032504.2); c.3211C>T, p.Arg1071Ter (NM_182587.4); short protein forms R1071*, R1076*.
Identifiers: ClinVar variation 2883996 (VCV002883996.5), dbSNP rs1230845897, ClinGen allele CA350412450.